The following is an entry in ClinVar:

ClinVar aggregate classification (germline): Likely pathogenic (1 of 4 stars; one submission).

Conditions:
Autosomal recessive nonsyndromic hearing loss 53. Identifiers: Orphanet 90636, MedGen C1864746, MONDO:0012333, OMIM 609706.

Submission:

Laboratory of Prof. Karen Avraham, Tel Aviv University
Classification: Likely pathogenic for Autosomal recessive nonsyndromic hearing loss 53. Last evaluated: 2018-05-07. Review status: criteria provided, single submitter. Criteria: ACMG Guidelines, 2015. Collection method: research. Allele origin: germline. Affected: yes.
Comment: Recessive, compound heterozygous with NM_080680.2:[c.3385G >A]; congenital, moderate-severe high tone NSHL

NM_080680.3(COL11A2):c.968dup (p.Ala324fs)

Gene: COL11A2 (collagen type XI alpha 2 chain; minus strand). Cytogenetic location: 6p21.32.
Variant type: Duplication.
Coding change: c.968dup on transcript NM_080680.3 (MANE Select); coding-DNA position 968, one base duplicated (C; older notation c.968dupC).
Protein change: p.Ala324fs; shifts the reading frame from alanine 324.
Molecular consequence: frameshift variant. On other transcripts: intron variant (2).
Genome position (GRCh38, 1-based): chr6:33,184,296, G duplicated on the plus strand (C on the coding strand, the reverse complement: COL11A2 is on the minus strand). VCF-style (leftmost placement, unchanged base first): chr6-33184295-T-TG. GRCh37 (hg19) VCF-style: chr6-33152072-T-TG.
Other names: c.798+2331dup (NM_080679.3); c.861+696dup (NM_080681.3); short protein forms A324fs.
Identifiers: ClinVar variation 813820 (VCV000813820.1), dbSNP rs1583366400, ClinGen allele CA915944207.